The following is an entry in ClinVar:

ClinVar aggregate classification (germline): Uncertain significance (1 of 4 stars; one submission).

Submission:

Labcorp Genetics (formerly Invitae), Labcorp
Classification: Uncertain significance. Last evaluated: 2023-09-19. Review status: criteria provided, single submitter. Criteria: Invitae Variant Classification Sherloc (09022015). Collection method: clinical testing. Allele origin: germline.
Comment: In summary, the available evidence is currently insufficient to determine the role of this variant in disease. Therefore, it has been classified as a Variant of Uncertain Significance. Experimental studies and prediction algorithms are not available or were not evaluated, and the functional significance of this variant is currently unknown. This variant has not been reported in the literature in individuals affected with PLS3-related conditions. This variant results in a copy number gain of the genomic region encompassing exon(s) 10-16 of the PLS3 gene. This region includes the termination codon of the gene. This copy number gain extends beyond the assayed region for this gene and therefore may encompass additional genes. As the precise location of this event is unknown, it may be in tandem or it may be located elsewhere in the genome.

NC_000023.10:g.(?_114877605)_(114883881_?)dup

Gene: PLS3 (plastin 3; plus strand). Cytogenetic location: Xq23.
Variant type: Duplication.
Identifiers: ClinVar variation 1375013 (VCV001375013.5).